The following is an entry in ClinVar:

NM_002485.5(NBN):c.327G>T (p.Glu109Asp)

Gene: NBN (nibrin; minus strand). Cytogenetic location: 8q21.3.
Variant type: single nucleotide variant.
Coding change: c.327G>T on transcript NM_002485.5 (MANE Select); coding-DNA position 327, G replaced by T.
Protein change: p.Glu109Asp; replaces glutamic acid 109 with aspartic acid.
Molecular consequence: missense variant.
Genome position (GRCh38, 1-based): chr8:89,980,887, C>A on the plus strand (G>T on the coding strand, the complement: NBN is on the minus strand). VCF-style: chr8-89980887-C-A. GRCh37 (hg19) VCF-style: chr8-90993115-C-A.
Other names: c.81G>T, p.Glu27Asp (NM_001024688.3); short protein forms E109D, E27D.
Identifiers: ClinVar variation 1729729 (VCV001729729.8), dbSNP rs1554568031, ClinGen allele CA371662153.

ClinVar aggregate classification (germline): Uncertain significance. Review status: criteria provided, multiple submitters, no conflicts (2 of 4 stars). 2 submissions from 2 submitters: Uncertain significance (2). Last evaluated 2024-08-21.

Conditions:
Hereditary cancer-predisposing syndrome. Also called: Neoplastic Syndromes, Hereditary; Tumor predisposition; Hereditary Cancer Syndrome; Hereditary neoplastic syndrome. Identifiers: Orphanet 140162, MedGen C0027672, MeSH D009386, MONDO:0015356.
Microcephaly, normal intelligence and immunodeficiency (NBS). Also called: IMMUNODEFICIENCY, MICROCEPHALY, AND CHROMOSOMAL INSTABILITY; SEEMANOVA SYNDROME II; Nijmegen breakage syndrome; Microcephaly with normal intelligence immunodeficiency and lymphoreticular malignancies; Nonsyndromal microcephaly autosomal recessive with normal intelligence; Seemanova syndrome 2. Identifiers: Orphanet 647, MedGen C0398791, MONDO:0009623, OMIM 251260.

Submissions (2):

Ambry Genetics
Classification: Uncertain significance for Hereditary cancer-predisposing syndrome. Last evaluated: 2024-08-21. Review status: criteria provided, single submitter. Criteria: Ambry Variant Classification Scheme 2023. Collection method: clinical testing. Allele origin: germline.
Comment: The p.E109D variant (also known as c.327G>T), located in coding exon 4 of the NBN gene, results from a G to T substitution at nucleotide position 327. The glutamic acid at codon 109 is replaced by aspartic acid, an amino acid with highly similar properties. This amino acid position is highly conserved in available vertebrate species. In addition, this alteration is predicted to be tolerated by in silico analysis. Since supporting evidence is limited at this time, the clinical significance of this alteration remains unclear.

Labcorp Genetics (formerly Invitae), Labcorp
Classification: Uncertain significance for Microcephaly, normal intelligence and immunodeficiency. Last evaluated: 2022-10-10. Review status: criteria provided, single submitter. Criteria: Invitae Variant Classification Sherloc (09022015). Collection method: clinical testing. Allele origin: germline.
Comment: In summary, the available evidence is currently insufficient to determine the role of this variant in disease. Therefore, it has been classified as a Variant of Uncertain Significance. Algorithms developed to predict the effect of missense changes on protein structure and function (SIFT, PolyPhen-2, Align-GVGD) all suggest that this variant is likely to be tolerated. This variant has not been reported in the literature in individuals affected with NBN-related conditions. This variant is not present in population databases (gnomAD no frequency). This sequence change replaces glutamic acid, which is acidic and polar, with aspartic acid, which is acidic and polar, at codon 109 of the NBN protein (p.Glu109Asp).